The following is an entry in ClinVar:

NM_001270508.2(TNFAIP3):c.688G>A (p.Gly230Ser)

Genes: TNFAIP3 (TNF alpha induced protein 3; plus strand), LOC126859807 (MED14-independent group 3 enhancer GRCh37_chr6:138196296-138197495; plus strand). Cytogenetic location: 6q23.3.
Variant type: single nucleotide variant.
Coding change: c.688G>A on transcript NM_001270508.2 (MANE Select); coding-DNA position 688, G replaced by A.
Protein change: p.Gly230Ser; replaces glycine 230 with serine.
Molecular consequence: missense variant.
Genome position (GRCh38, 1-based): chr6:137,876,049, G>A. VCF-style: chr6-137876049-G-A. GRCh37 (hg19) VCF-style: chr6-138197186-G-A.
Other names: c.688G>A, p.Gly230Ser (NM_001270507.2, NM_006290.4); short protein forms G230S.
Identifiers: ClinVar variation 2754085 (VCV002754085.4), dbSNP rs1197750585, ClinGen allele CA365784163.

ClinVar aggregate classification (germline): Uncertain significance. Review status: criteria provided, multiple submitters, no conflicts (2 of 4 stars). 2 submissions from 2 submitters: Uncertain significance (2). Last evaluated 2024-06-24.

Conditions:
Autoinflammatory syndrome, familial, Behcet-like 1 (AIFBL1). Also called: Haploinsufficiency of A20. Identifiers: Orphanet 674762, MedGen C4225218, MONDO:0800045, OMIM 616744.

Allele frequency attached by ClinVar (database versions not stated): gnomAD exomes below 0.00001; TOPMed below 0.00001; gnomAD 0.00001.
gnomAD v4.1: 2 of 1,613,986 alleles (0.00012%); highest among the groups gnomAD compares: Non-Finnish European, 0.00017%; no homozygotes.

Submissions (2):

Labcorp Genetics (formerly Invitae), Labcorp
Classification: Uncertain significance. Last evaluated: 2024-06-24. Review status: criteria provided, single submitter. Criteria: Invitae Variant Classification Sherloc (09022015). Collection method: clinical testing. Allele origin: germline.
Comment: This sequence change replaces glycine, which is neutral and non-polar, with serine, which is neutral and polar, at codon 230 of the TNFAIP3 protein (p.Gly230Ser). This variant is present in population databases (no rsID available, gnomAD 0.007%). This variant has not been reported in the literature in individuals affected with TNFAIP3-related conditions. Advanced modeling of protein sequence and biophysical properties (such as structural, functional, and spatial information, amino acid conservation, physicochemical variation, residue mobility, and thermodynamic stability) performed at Invitae indicates that this missense variant is not expected to disrupt TNFAIP3 protein function with a negative predictive value of 80%. Algorithms developed to predict the effect of sequence changes on RNA splicing suggest that this variant may create or strengthen a splice site. In summary, the available evidence is currently insufficient to determine the role of this variant in disease. Therefore, it has been classified as a Variant of Uncertain Significance.

Pittsburgh Clinical Genomics Laboratory, University of Pittsburgh Medical Center
Classification: Uncertain significance for Autoinflammatory syndrome, familial, Behcet-like 1. Last evaluated: 2023-12-04. Review status: criteria provided, single submitter. Criteria: ACMG Guidelines, 2015. Collection method: clinical testing. Allele origin: germline. Inheritance: Autosomal dominant inheritance. Affected: yes.
Comment: This sequence variant is a single nucleotide substitution (G>A) at position 688 of the coding sequence of the TNFAIP3 gene that results in a glycine to serine amino acid change at residue 230 of the TNF alpha induced protein 3 protein. The 230 residue falls in the OTU domain that functions in deubiquitylating and binding to ubiquitylated E2 enzymes (PMID: 32958016). This variant is absent from ClinVar and has not been observed in individuals affected TNFAIP3-related disorders in the published literature, to our knowledge. This variant is present in 2 of 780880 alleles (0.0003%) in the gnomAD v.4.0.0 population dataset. Multiple bioinformatic tools predict that this glycine to serine amino acid change would be damaging, and the Gly230 residue at this position is highly conserved across the vertebrate species examined. Studies examining the functional consequence of this variant have not been published, to our knowledge. At this time, there is insufficient evidence to determine if this variant is pathogenic or benign. Therefore, we consider this a variant of uncertain significance. ACMG Criteria: BP1, PM2, PP3

Literature cited by the submitters: PubMed 32958016 (cited by Pittsburgh Clinical Genomics Laboratory, University of Pittsburgh Medical Center).